The following is an entry in ClinVar:

NM_019892.6(INPP5E):c.247G>A (p.Ala83Thr)

Gene: INPP5E (inositol polyphosphate-5-phosphatase E; minus strand). Cytogenetic location: 9q34.3.
Variant type: single nucleotide variant.
Coding change: c.247G>A on transcript NM_019892.6 (MANE Select); coding-DNA position 247, G replaced by A.
Protein change: p.Ala83Thr; replaces alanine 83 with threonine.
Molecular consequence: missense variant.
Genome position (GRCh38, 1-based): chr9:136,439,173, C>T on the plus strand (G>A on the coding strand, the complement: INPP5E is on the minus strand). VCF-style: chr9-136439173-C-T. GRCh37 (hg19) VCF-style: chr9-139333625-C-T.
Other names: c.247G>A, p.Ala83Thr (NM_001318502.2); short protein forms A83T.
Identifiers: ClinVar variation 3351029 (VCV003351029.2).

ClinVar aggregate classification (germline): Uncertain significance. Review status: criteria provided, single submitter (1 of 4 stars). 2 submissions from 2 submitters: Uncertain significance (1). 1 of the submissions does not count toward it. Last evaluated 2024-03-29.

Conditions:
INPP5E-related disorder. Also called: INPP5E-related condition.
Joubert syndrome 1 (JBTS1). Also called: Cerebellooculorenal syndrome 1; CEREBELLOPARENCHYMAL DISORDER IV. Identifiers: MedGen C4551568, MONDO:0008944, OMIM 213300.
MORM syndrome (MORMS). Identifiers: Orphanet 75858, MedGen C1857802, MONDO:0012423, OMIM 610156.

gnomAD v4.1: 12 of 1,561,652 alleles (0.00077%); highest among the groups gnomAD compares: African/African-American, 0.015%; no homozygotes.

Submissions (2):

Fulgent Genetics
Classification: Uncertain significance for Joubert syndrome 1; MORM syndrome. Last evaluated: 2024-03-29. Review status: criteria provided, single submitter. Criteria: ACMG Guidelines, 2015. Collection method: clinical testing. Allele origin: germline.

PreventionGenetics, part of Exact Sciences
Classification: Uncertain significance for INPP5E-related condition. Last evaluated: 2024-09-03. Review status: no assertion criteria provided. Collection method: clinical testing. Allele origin: germline. Not counted in ClinVar's aggregate classification.
Comment: The INPP5E c.247G>A variant is predicted to result in the amino acid substitution p.Ala83Thr. To our knowledge, this variant has not been reported in the literature. This variant is reported in 0.029% of alleles in individuals of African descent in gnomAD. At this time, the clinical significance of this variant is uncertain due to the absence of conclusive functional and genetic evidence.